The following is an entry in ClinVar:

ClinVar aggregate classification (germline): Benign/Likely benign. Review status: criteria provided, multiple submitters, no conflicts (2 of 4 stars). 11 submissions from 11 submitters: Benign (8); Likely benign (1). 2 of the submissions do not count toward it. Last evaluated 2026-02-04.

Conditions:
Hypercalcemia, infantile, 1 (HCINF1). Identifiers: Orphanet 300547, MedGen CN031131, MONDO:0020739, OMIM 143880.

Allele frequency attached by ClinVar (database versions not stated): 1000 Genomes Project 30x 0.45378; 1000 Genomes Project 0.45807; gnomAD exomes 0.49090 and 0.51833; ExAC 0.49235; TOPMed 0.50442; gnomAD 0.50947 and 0.51337; ESP Exome Variant Server 0.52430.
gnomAD v4.1: 835,516 of 1,613,638 alleles (52%); highest among the groups gnomAD compares: Middle Eastern, 58%; 218,057 homozygotes.

Submissions (11):

Labcorp Genetics (formerly Invitae), Labcorp
Classification: Benign. Last evaluated: 2026-02-04. Review status: criteria provided, single submitter. Criteria: Invitae Variant Classification Sherloc (09022015). Collection method: clinical testing. Allele origin: germline.

Blueprint Genetics
Classification: Likely benign. Last evaluated: 2024-11-28. Review status: criteria provided, single submitter. Criteria: ACMG Guidelines, 2015. Collection method: clinical testing. Allele origin: germline.

Mayo Clinic Laboratories, Mayo Clinic
Classification: Benign. Last evaluated: 2022-03-09. Review status: criteria provided, single submitter. Criteria: ACMG Guidelines, 2015. Collection method: clinical testing. Allele origin: germline. Observed: 138 variant alleles.

Genome-Nilou Lab
Classification: Benign for Hypercalcemia, infantile, 1. Last evaluated: 2021-07-30. Review status: criteria provided, single submitter. Criteria: ACMG Guidelines, 2015. Collection method: clinical testing. Allele origin: germline. Affected: no.

GeneDx
Classification: Benign. Last evaluated: 2018-11-10. Review status: criteria provided, single submitter. Criteria: GeneDx Variant Classification Process June 2021. Collection method: clinical testing. Allele origin: germline. Affected: yes.

Illumina Laboratory Services, Illumina
Classification: Benign for Hypercalcemia, infantile, 1. Last evaluated: 2018-01-12. Review status: criteria provided, single submitter. Criteria: ICSL Variant Classification Criteria 13 December 2019. Collection method: clinical testing. Allele origin: germline.
Comment: This variant was observed in the ICSL laboratory as part of a predisposition screen in an ostensibly healthy population. It had not been previously curated by ICSL or reported in the Human Gene Mutation Database (HGMD: prior to June 1st, 2018), and was therefore a candidate for classification through an automated scoring system. Utilizing variant allele frequency, disease prevalence and penetrance estimates, and inheritance mode, an automated score was calculated to assess if this variant is too frequent to cause the disease. Based on the score and internal cut-off values, a variant classified as benign is not then subjected to further curation. The score for this variant resulted in a classification of benign for this disease.

Genome Diagnostics Laboratory, University Medical Center Utrecht
Classification: Benign for Hypercalcemia, infantile, 1. Last evaluated: 2017-10-06. Review status: criteria provided, single submitter. Criteria: ACGS Guidelines, 2013. Collection method: clinical testing. Allele origin: germline. Affected: yes. Study: VKGL Data-share Consensus.

Laboratory for Molecular Medicine, Mass General Brigham Personalized Medicine
Classification: Benign. Last evaluated: 2016-03-21. Review status: criteria provided, single submitter. Criteria: LMM Criteria. Collection method: clinical testing. Allele origin: germline. Observed: 1 variant allele.
Comment: p.Ala184Ala in exon 4 of CYP24A1: This variant is not expected to have clinical significance because it does not alter an amino acid residue, is not located wit hin the splice consensus sequence, and has been identified in 53.00% (35334/6666 8) of European chromosomes by the Exome Aggregation Consortium (ExAC; dbSNP rs2296241).

Breakthrough Genomics
Classification: Benign. Review status: criteria provided, single submitter. Criteria: ACMG Guidelines, 2015. Collection method: not provided. Allele origin: germline. Inheritance: Autosomal recessive inheritance. Affected: yes.

Diagnostic Laboratory, Department of Genetics, University Medical Center Groningen
Classification: Benign for Hypercalcemia, infantile, 1. Review status: no assertion criteria provided. Collection method: clinical testing. Allele origin: germline. Affected: yes. Study: VKGL Data-share Consensus. Not counted in ClinVar's aggregate classification.

Joint Genome Diagnostic Labs from Nijmegen and Maastricht, Radboudumc and MUMC+
Classification: Benign. Review status: no assertion criteria provided. Collection method: clinical testing. Allele origin: germline. Affected: yes. Study: VKGL Data-share Consensus. Not counted in ClinVar's aggregate classification.

NM_000782.5(CYP24A1):c.552C>T (p.Ala184=)

Gene: CYP24A1 (cytochrome P450 family 24 subfamily A member 1; minus strand). Cytogenetic location: 20q13.2.
Variant type: single nucleotide variant.
Coding change: c.552C>T on transcript NM_000782.5 (MANE Select); coding-DNA position 552, C replaced by T.
Protein change: p.Ala184=; no amino-acid change (alanine 184 retained).
Molecular consequence: synonymous variant.
Genome position (GRCh38, 1-based): chr20:54,169,680, G>A on the plus strand (C>T on the coding strand, the complement: CYP24A1 is on the minus strand). VCF-style: chr20-54169680-G-A. GRCh37 (hg19) VCF-style: chr20-52786219-G-A.
Other names: p.Ala184=; c.552C>T, p.Ala184= (NM_001128915.2).
Identifiers: ClinVar variation 338831 (VCV000338831.29), dbSNP rs2296241, ClinGen allele CA9916096.